The following is an entry in ClinVar:

NM_182524.4(ZNF595):c.799A>C (p.Arg267=)

Gene: ZNF595 (zinc finger protein 595; plus strand). Cytogenetic location: 4p16.3.
Variant type: single nucleotide variant.
Coding change: c.799A>C on transcript NM_182524.4 (MANE Select); coding-DNA position 799, A replaced by C.
Protein change: p.Arg267=; no amino-acid change (arginine 267 retained).
Molecular consequence: synonymous variant.
Genome position (GRCh38, 1-based): chr4:86,303, A>C. VCF-style: chr4-86303-A-C. GRCh37 (hg19) VCF-style: chr4-86193-A-C.
Other names: c.703A>C, p.Arg235= (NM_001286052.2); c.250A>C, p.Arg84= (NM_001286053.2, NM_001286054.2).
Identifiers: ClinVar variation 2654523 (VCV002654523.24), dbSNP rs201648495, ClinGen allele CA91118095.

ClinVar aggregate classification (germline): Likely benign (1 of 4 stars; one submission).

Allele frequency attached by ClinVar (database versions not stated): 1000 Genomes Project 0.00020.

Submission:

CeGaT Center for Human Genetics Tuebingen
Classification: Likely benign. Last evaluated: 2026-02-01. Review status: criteria provided, single submitter. Criteria: CeGaT Center For Human Genetics Tuebingen Variant Classification Criteria Version 2. Collection method: clinical testing. Allele origin: germline. Affected: yes. Observed: 4 variant alleles.
Comment: ZNF595: PM2:Supporting, BP4, BP7